The following is an entry in ClinVar:

ClinVar aggregate classification (germline): Pathogenic (1 of 4 stars; one submission).

Conditions:
CFI-related disorder. Also called: CFI-related condition; CFI-related disorders. Identifiers: MedGen CN239325.

Submission:

Genomenon, Inc
Classification: Pathogenic for CFI-related disorder. Last evaluated: 2025-09-26. Review status: criteria provided, single submitter. Criteria: Genomenon Sequence Variant Interpretation Standards - Updated. Collection method: curation. Allele origin: germline. Affected: yes.
Comment: CFI p.Thr538Ter (c.1610_1611insAT) is a nonsense variant that introduces a premature stop codon at amino acid position 538, creating a truncated protein. This variant has been observed in at least one proband affected with a CFI-related disorder (PMID:15661753;23431077;22710145). It has been observed in trans with a pathogenic/likely pathogenic variant (PMID:22710145). At least one functional study has demonstrated a substantial alteration in protein function relative to the wild-type (PMID:19877009). It is absent or not present at a significant frequency in gnomAD. In conclusion, we classify CFI p.Thr538Ter (c.1610_1611insAT) as a pathogenic variant.

Literature cited by the submitters: PubMed 15661753; 23431077; 22710145; 19877009.

NM_000204.5(CFI):c.1610_1611insAT (p.Val537_Thr538insTer)

Gene: CFI (complement factor I; minus strand). Cytogenetic location: 4q25.
Variant type: Insertion.
Coding change: c.1610_1611insAT on transcript NM_000204.5 (MANE Select); coding-DNA positions 1610 to 1611, AT inserted.
Protein change: p.Val537_Thr538insTer.
Molecular consequence: frameshift variant. On other transcripts: 3 prime UTR variant (2), non-coding transcript variant (3), intron variant (7).
Genome position: GRCh38 VCF-style: chr4-109741034-C-CAT. GRCh37 (hg19) VCF-style: chr4-110662190-C-CAT.
Other names: c.1634_1635insAT, p.Val545_Thr546insTer (NM_001318057.2); c.1589_1590insAT, p.Val530_Thr531insTer (NM_001331035.2); c.1553_1554insAT, p.Val518_Thr519insTer (NM_001375283.1); c.1001_1002insAT, p.Val334_Thr335insTer (NM_001375284.1); c.1631_1632insAT, p.Val544_Thr545insTer (NM_001440986.1); c.*310_*311insAT (NM_001440989.1, NM_001440991.1); c.1513+1456_1513+1457insTA (NM_001375282.1, NM_001375280.1); c.1534+1456_1534+1457insTA (NM_001375281.1, NM_001375279.1); and 2 more.
Identifiers: ClinVar variation 4280528 (VCV004280528.1).
Genomic context (GRCh38, chr4:109,741,034, plus strand): 5'-ACCTGGGAACTCTGGTTTTCCACAGTTTTCCCCCCAACTCACAACACCCCAGACATAAGT[C>CAT]ACATTGTTGGCATCCATACAGACTAAGGGGCCTCCAGAGTCCCCTTTACAGGCATCGATG-3'